The following is an entry in ClinVar:

ClinVar aggregate classification (germline): Pathogenic. Review status: criteria provided, multiple submitters, no conflicts (2 of 4 stars). 6 submissions from 6 submitters: Pathogenic (6). Last evaluated 2026-04-01.

Conditions:
Neurofibromatosis, type 1 (NF1). Also called: NEUROFIBROMATOSIS, TYPE I, SOMATIC; Peripheral type neurofibromatosis; Neurofibromatosis, type I; VON RECKLINGHAUSEN DISEASE. Identifiers: Orphanet 636, MedGen C0027831, MONDO:0018975, OMIM 162200. Disease mechanism: loss of function.

Submissions (6):

Department of Genetics, Sultan Qaboos University Hospital
Classification: Pathogenic for Neurofibromatosis, type 1. Last evaluated: 2026-04-01. Review status: criteria provided, single submitter. Criteria: ACMG Guidelines, 2015. Collection method: clinical testing. Allele origin: germline. Affected: yes. Observed: 1 variant allele.
Comment: PVS1,PM2,PP5_Very_Strong

Clinical Genomics Laboratory, Washington University in St. Louis
Classification: Pathogenic for Neurofibromatosis, type 1. Last evaluated: 2025-10-20. Review status: criteria provided, single submitter. Criteria: Leon-Quintero et al. (Clin Genet. 2025). Collection method: clinical testing. Allele origin: somatic. Affected: yes.
Comment: An NF1 c.1642-1G>A variant was identified at an allelic fraction consistent with somatic origin. This variant has been reported in the literature in two individuals affected with neurofibromatosis type 1 (Xu W et al., PMID:24789688; Giugliano T et al., PMID: 31370276) and in the ClinVar database as a pathogenic germline variant by four submitters (Variation ID: 547599). It is absent from the general population (gnomAD v4.1.0), indicating it is not a common variant. This variant occurs within the canonical splice acceptor site, which is predicted to cause skipping of the exon, leading to an out of frame transcript. Based on available information and an internally developed protocol informed by the ACMG/AMP guidelines for variant interpretation and gene-specific practices from the ClinGen Criteria Specification Registry (Leon-Quintero FZ et al., PMID: 39434542), the NF1 c.1642-1G>A variant is classified as pathogenic.

Labcorp Genetics (formerly Invitae), Labcorp
Classification: Pathogenic for Neurofibromatosis, type 1. Last evaluated: 2025-09-02. Review status: criteria provided, single submitter. Criteria: Invitae Variant Classification Sherloc (09022015). Collection method: clinical testing. Allele origin: germline.
Comment: This sequence change affects an acceptor splice site in intron 14 of the NF1 gene. It is expected to disrupt RNA splicing. Variants that disrupt the donor or acceptor splice site typically lead to a loss of protein function (PMID: 16199547), and loss-of-function variants in NF1 are known to be pathogenic (PMID: 10712197, 23913538). This variant is not present in population databases (gnomAD no frequency). Disruption of this splice site has been observed in individual(s) with neurofibromatosis type 1 (PMID: 17726231). Invitae Evidence Modeling of clinical and family history, age, sex, and reported ancestry of multiple individuals with this NF1 variant has been performed. This variant is expected to be pathogenic with a positive predictive value of at least 99%. This is a validated machine learning model that incorporates the clinical features of 1,785,918 individuals referred to our laboratory for NF1 testing. ClinVar contains an entry for this variant (Variation ID: 547599). Algorithms developed to predict the effect of sequence changes on RNA splicing suggest that this variant may disrupt the consensus splice site. For these reasons, this variant has been classified as Pathogenic.

Mayo Clinic Laboratories, Mayo Clinic
Classification: Pathogenic. Last evaluated: 2023-06-21. Review status: criteria provided, single submitter. Criteria: ACMG Guidelines, 2015. Collection method: clinical testing. Allele origin: germline. Observed: 2 variant alleles.
Comment: PP5, PM2_moderate, PVS1

Genome-Nilou Lab
Classification: Pathogenic for Neurofibromatosis, type 1. Last evaluated: 2022-03-15. Review status: criteria provided, single submitter. Criteria: ACMG Guidelines, 2015. Collection method: clinical testing. Allele origin: germline. Affected: no.

Center for Human Genetics, Inc
Classification: Pathogenic for Neurofibromatosis, type 1. Last evaluated: 2016-11-01. Review status: criteria provided, single submitter. Criteria: ACMG Guidelines, 2015. Collection method: clinical testing. Allele origin: germline. Affected: yes.

Literature cited by the submitters: PubMed 16199547 (cited by Labcorp Genetics (formerly Invitae), Labcorp); PubMed 10712197 (cited by Labcorp Genetics (formerly Invitae), Labcorp); PubMed 23913538 (cited by Labcorp Genetics (formerly Invitae), Labcorp); PubMed 17726231 (cited by Labcorp Genetics (formerly Invitae), Labcorp and Mayo Clinic Laboratories, Mayo Clinic); PubMed 24789688 (cited by Mayo Clinic Laboratories, Mayo Clinic); PubMed 31370276 (cited by Mayo Clinic Laboratories, Mayo Clinic).

NM_001042492.3(NF1):c.1642-1G>A

Gene: NF1 (neurofibromin 1; plus strand). Cytogenetic location: 17q11.2.
Variant type: single nucleotide variant.
Coding change: c.1642-1G>A on transcript NM_001042492.3 (MANE Select); the canonical splice acceptor site of the intron before coding-DNA position 1642, G replaced by A.
Molecular consequence: splice acceptor variant.
Genome position (GRCh38, 1-based): chr17:31,221,849, G>A. VCF-style: chr17-31221849-G-A. GRCh37 (hg19) VCF-style: chr17-29548867-G-A.
Other names: c.1642-1G>A (NM_001042492.2, NM_000267.4, NM_001128147.3).
Identifiers: ClinVar variation 547599 (VCV000547599.12), dbSNP rs1555613185, ClinGen allele CA399002208.